The following is an entry in ClinVar:

NM_058216.3(RAD51C):c.631T>C (p.Phe211Leu)

Genes: RAD51C (RAD51 paralog C; plus strand), LOC129390903 (MPRA-validated peak2919 silencer; plus strand). Cytogenetic location: 17q22.
Variant type: single nucleotide variant.
Coding change: c.631T>C on transcript NM_058216.3 (MANE Select); coding-DNA position 631, T replaced by C.
Protein change: p.Phe211Leu; replaces phenylalanine 211 with leucine.
Molecular consequence: missense variant. On other transcripts: non-coding transcript variant (1).
Genome position (GRCh38, 1-based): chr17:58,703,255, T>C. VCF-style: chr17-58703255-T-C. GRCh37 (hg19) VCF-style: chr17-56780616-T-C.
Other names: c.631T>C (NM_058216.1); short protein forms F211L.
Identifiers: ClinVar variation 1037337 (VCV001037337.10), dbSNP rs2048271607, ClinGen allele CA400349475.

ClinVar aggregate classification (germline): Uncertain significance. Review status: criteria provided, multiple submitters, no conflicts (2 of 4 stars). 2 submissions from 2 submitters: Uncertain significance (2). Last evaluated 2025-12-16.

Conditions:
Hereditary cancer-predisposing syndrome. Also called: Hereditary Cancer Syndrome; Neoplastic Syndromes, Hereditary; Tumor predisposition; Hereditary neoplastic syndrome. Identifiers: Orphanet 140162, MedGen C0027672, MeSH D009386, MONDO:0015356.
Fanconi anemia complementation group O. Also called: RAD51C-Related Fanconi Anemia. Identifiers: Orphanet 84, MedGen C3150653, MONDO:0013248, OMIM 613390.

Submissions (2):

Ambry Genetics
Classification: Uncertain significance for Hereditary cancer-predisposing syndrome. Last evaluated: 2025-12-16. Review status: criteria provided, single submitter. Criteria: Ambry Variant Classification Scheme 2023. Collection method: clinical testing. Allele origin: germline.
Comment: The p.F211L variant (also known as c.631T>C), located in coding exon 4 of the RAD51C gene, results from a T to C substitution at nucleotide position 631. The phenylalanine at codon 211 is replaced by leucine, an amino acid with highly similar properties. This amino acid position is conserved. In addition, the in silico prediction for this alteration is inconclusive. Based on the available evidence, the clinical significance of this variant remains unclear.

Labcorp Genetics (formerly Invitae), Labcorp
Classification: Uncertain significance for Fanconi anemia complementation group O. Last evaluated: 2016-11-24. Review status: criteria provided, single submitter. Criteria: Invitae Variant Classification Sherloc (09022015). Collection method: clinical testing. Allele origin: germline.
Comment: In summary, this variant is a novel missense change that is not predicted to affect protein function. There is no indication that it causes disease, but the available evidence is currently insufficient to prove that conclusively. Therefore, it has been classified as a Variant of Uncertain Significance. Algorithms developed to predict the effect of missense changes on protein structure and function (SIFT, PolyPhen-2, Align-GVGD) all suggest that this variant is likely to be tolerated, but these predictions have not been confirmed by published functional studies. This variant is not present in population databases (ExAC no frequency) and has not been reported in the literature in individuals with a RAD51C-related disease. This sequence change replaces phenylalanine with leucine at codon 211 of the RAD51C protein (p.Phe211Leu). The phenylalanine residue is moderately conserved and there is a small physicochemical difference between phenylalanine and leucine.